The following is an entry in ClinVar:

ClinVar aggregate classification (germline): Likely benign. Review status: criteria provided, multiple submitters, no conflicts (2 of 4 stars). 4 submissions from 4 submitters: Likely benign (4). Last evaluated 2025-10-29.

Allele frequency attached by ClinVar (database versions not stated): gnomAD exomes 0.00005 and 0.00012; ESP Exome Variant Server 0.00025; ExAC 0.00029; gnomAD 0.00035 and 0.00040; TOPMed 0.00043; 1000 Genomes Project 0.00060; 1000 Genomes Project 30x 0.00062.
gnomAD v4.1: 126 of 1,562,386 alleles (0.0081%); highest among the groups gnomAD compares: African/African-American, 0.13%; no homozygotes.

Submissions (4):

Labcorp Genetics (formerly Invitae), Labcorp
Classification: Likely benign. Last evaluated: 2025-10-29. Review status: criteria provided, single submitter. Criteria: Invitae Variant Classification Sherloc (09022015). Collection method: clinical testing. Allele origin: germline.

Blueprint Genetics
Classification: Likely benign. Last evaluated: 2024-10-03. Review status: criteria provided, single submitter. Criteria: ACMG Guidelines, 2015. Collection method: clinical testing. Allele origin: germline.

CeGaT Center for Human Genetics Tuebingen
Classification: Likely benign. Last evaluated: 2023-05-01. Review status: criteria provided, single submitter. Criteria: CeGaT Center For Human Genetics Tuebingen Variant Classification Criteria Version 2. Collection method: clinical testing. Allele origin: germline. Affected: yes. Observed: 1 variant allele.
Comment: RIN2: BP4, BP7

GeneDx
Classification: Likely benign. Last evaluated: 2020-10-20. Review status: criteria provided, single submitter. Criteria: GeneDx Variant Classification Process June 2021. Collection method: clinical testing. Allele origin: germline. Affected: yes.

NM_018993.4(RIN2):c.2193T>C (p.His731=)

Gene: RIN2 (Ras and Rab interactor 2; plus strand). Cytogenetic location: 20p11.23.
Variant type: single nucleotide variant.
Coding change: c.2193T>C on transcript NM_018993.4 (MANE Select); coding-DNA position 2193, T replaced by C.
Protein change: p.His731=; no amino-acid change (histidine 731 retained).
Molecular consequence: synonymous variant.
Genome position (GRCh38, 1-based): chr20:19,992,292, T>C. VCF-style: chr20-19992292-T-C. GRCh37 (hg19) VCF-style: chr20-19972936-T-C.
Other names: c.2340T>C, p.His780= (NM_001242581.2); c.1575T>C, p.His525= (NM_001378238.1).
Identifiers: ClinVar variation 697080 (VCV000697080.37), dbSNP rs374245909, ClinGen allele CA9780235.
Genomic context (GRCh38, chr20:19,992,292, plus strand): 5'-GCTTGAATTGGACACTGAAATCGAGTACATGATGGAGCTCCTAGACCCATCGCTGTTACA[T>C]GGAGAAGGTAACTGCTTTTGAGAAAAGTTGAAGGAACTGGGTGCTATTTTTTTCATTTTT-3'
Protein context (NP_061866.1, residues 721-741): MMELLDPSLL[His731=]GEGGYYLTSA